The following is an entry in ClinVar:

ClinVar aggregate classification (germline): Conflicting classifications of pathogenicity. Review status: criteria provided, conflicting classifications (1 of 4 stars). 8 submissions from 8 submitters: Uncertain significance (1); Benign (3); Likely benign (3). 1 of the submissions does not count toward it. Last evaluated 2026-02-01.

Conditions:
Adult-onset citrullinemia type I. Also called: Late-onset citrullinemia. Identifiers: Orphanet 247573, MedGen C0268546, MONDO:0016601.
Citrin deficiency. Identifiers: Orphanet 247582, MedGen C1997910, MONDO:0016602.
Citrullinemia type II. Also called: Citrullinemia Type II (CTLN2). Identifiers: Orphanet 247585, MedGen C1863844, MONDO:0016603.

Allele frequency attached by ClinVar (database versions not stated): 1000 Genomes Project 30x 0.00156; 1000 Genomes Project 0.00180; gnomAD 0.00240 and 0.00244; TOPMed 0.00247; ExAC 0.00256; ESP Exome Variant Server 0.00354.
gnomAD v4.1: 5,416 of 1,614,064 alleles (0.34%); highest among the groups gnomAD compares: Non-Finnish European, 0.43%; 10 homozygotes.

Submissions (8):

CeGaT Center for Human Genetics Tuebingen
Classification: Likely benign. Last evaluated: 2026-02-01. Review status: criteria provided, single submitter. Criteria: CeGaT Center For Human Genetics Tuebingen Variant Classification Criteria Version 2. Collection method: clinical testing. Allele origin: germline. Affected: yes. Observed: 6 variant alleles.
Comment: SLC25A13: BP4, BP7

Labcorp Genetics (formerly Invitae), Labcorp
Classification: Benign for Citrin deficiency. Last evaluated: 2026-01-28. Review status: criteria provided, single submitter. Criteria: Invitae Variant Classification Sherloc (09022015). Collection method: clinical testing. Allele origin: germline.

Mayo Clinic Laboratories, Mayo Clinic
Classification: Likely benign. Last evaluated: 2025-07-15. Review status: criteria provided, single submitter. Criteria: ACMG Guidelines, 2015. Collection method: clinical testing. Allele origin: germline. Observed: 4 variant alleles.
Comment: BS1, BP4, BP7

Blueprint Genetics
Classification: Likely benign. Last evaluated: 2024-11-22. Review status: criteria provided, single submitter. Criteria: ACMG Guidelines, 2015. Collection method: clinical testing. Allele origin: germline.

Illumina Laboratory Services, Illumina
Classification: Uncertain significance for Citrullinemia, type II, adult-onset. Last evaluated: 2018-01-13. Review status: criteria provided, single submitter. Criteria: ICSL Variant Classification Criteria 13 December 2019. Collection method: clinical testing. Allele origin: germline.

Eurofins Ntd Llc (ga)
Classification: Benign. Last evaluated: 2016-08-12. Review status: criteria provided, single submitter. Criteria: EGL Classification Definitions 2015. Collection method: clinical testing. Allele origin: germline. Observed: 1 variant allele, 1 heterozygote.

GeneDx
Classification: Benign. Last evaluated: 2015-07-24. Review status: criteria provided, single submitter. Criteria: GeneDx Variant Classification (06012015). Collection method: clinical testing. Allele origin: germline. Affected: yes.
Comment: This variant is considered likely benign or benign based on one or more of the following criteria: it is a conservative change, it occurs at a poorly conserved position in the protein, it is predicted to be benign by multiple in silico algorithms, and/or has population frequency not consistent with disease.

Natera, Inc.
Classification: Benign for Late-onset citrullinemia. Last evaluated: 2020-09-16. Review status: no assertion criteria provided. Collection method: clinical testing. Allele origin: germline. Not counted in ClinVar's aggregate classification.

NM_014251.3(SLC25A13):c.1680C>T (p.Ser560=)

Gene: SLC25A13 (solute carrier family 25 member 13; minus strand). Cytogenetic location: 7q21.3.
Variant type: single nucleotide variant.
Coding change: c.1680C>T on transcript NM_014251.3 (MANE Select); coding-DNA position 1680, C replaced by T.
Protein change: p.Ser560=; no amino-acid change (serine 560 retained).
Molecular consequence: synonymous variant. On other transcripts: non-coding transcript variant (1).
Genome position (GRCh38, 1-based): chr7:96,121,909, G>A on the plus strand (C>T on the coding strand, the complement: SLC25A13 is on the minus strand). VCF-style: chr7-96121909-G-A. GRCh37 (hg19) VCF-style: chr7-95751221-G-A.
Other names: p.Ser560=; c.1683C>T, p.Ser561= (NM_001160210.2).
Identifiers: ClinVar variation 290076 (VCV000290076.56), dbSNP rs150082469, ClinGen allele CA4352820.
Genomic context (GRCh38, chr7:96,121,909, plus strand): 5'-CTTCCACAGAGCTTTTGGTCCTTCTTCACGCAGTATCTTTCTAAAGCAGTCTATCACTCC[G>A]CTGTAAGTGGTTTGGCCAGCCCGGGCAGCCACCTGTAATCTCGTCTTGATAACATCAGCA-3'
Protein context (NP_055066.1, residues 550-570): VAARAGQTTY[Ser560=]GVIDCFRKIL